The following is an entry in ClinVar:

NM_005585.5(SMAD6):c.691C>T (p.Arg231Cys)

Gene: SMAD6 (SMAD family member 6; plus strand). Cytogenetic location: 15q22.31.
Variant type: single nucleotide variant.
Coding change: c.691C>T on transcript NM_005585.5 (MANE Select); coding-DNA position 691, C replaced by T.
Protein change: p.Arg231Cys; replaces arginine 231 with cysteine.
Molecular consequence: missense variant. On other transcripts: non-coding transcript variant (1).
Genome position (GRCh38, 1-based): chr15:66,703,949, C>T. VCF-style: chr15-66703949-C-T. GRCh37 (hg19) VCF-style: chr15-66996287-C-T.
Other names: short protein forms R231C.
Identifiers: ClinVar variation 985273 (VCV000985273.13), dbSNP rs1395007983, ClinGen allele CA392950049.

ClinVar aggregate classification (germline): Uncertain significance. Review status: criteria provided, multiple submitters, no conflicts (2 of 4 stars). 5 submissions from 5 submitters: Uncertain significance (4). 1 of the submissions does not count toward it. Last evaluated 2026-04-14.

Conditions:
Aortic valve disease 2 (AOVD2). Identifiers: MedGen C3542024, MONDO:0013902, OMIM 614823.
Radioulnar synostosis. Also called: Congenital radioulnar synostosis. Identifiers: Orphanet 3269, MedGen C0158761, MONDO:0017985, HP:0002974.
Inborn genetic diseases. Identifiers: MedGen C0950123, MeSH D030342.

Allele frequency attached by ClinVar (database versions not stated): TOPMed 0.00001.
gnomAD v4.1: 6 of 1,407,514 alleles (0.00043%); highest among the groups gnomAD compares: East Asian, 0.0031%; no homozygotes.

Submissions (5):

GeneDx
Classification: Uncertain significance. Last evaluated: 2026-04-14. Review status: criteria provided, single submitter. Criteria: GeneDx Variant Classification Process June 2021. Collection method: clinical testing. Allele origin: germline.
Comment: Identified in a patient with bilateral radioulnar synostosis in published literature, but it is unknown whether this individual was screened for variants in other genes associated with radioulnar synostosis (PMID: 34953066); Not observed at significant frequency in large population cohorts (gnomAD); In silico analysis supports that this missense variant has a deleterious effect on protein structure/function; This variant is associated with the following publications: (PMID: 30796334, 30848080, 27535533, 34953066)

Labcorp Genetics (formerly Invitae), Labcorp
Classification: Uncertain significance for Aortic valve disease 2. Last evaluated: 2025-09-10. Review status: criteria provided, single submitter. Criteria: Invitae Variant Classification Sherloc (09022015). Collection method: clinical testing. Allele origin: germline.
Comment: This sequence change replaces arginine, which is basic and polar, with cysteine, which is neutral and slightly polar, at codon 231 of the SMAD6 protein (p.Arg231Cys). This variant is not present in population databases (gnomAD no frequency). This missense change has been observed in individual(s) with radioulnar synostosis (PMID: 34953066). ClinVar contains an entry for this variant (Variation ID: 985273). Invitae Evidence Modeling of protein sequence and biophysical properties (such as structural, functional, and spatial information, amino acid conservation, physicochemical variation, residue mobility, and thermodynamic stability) has been performed for this missense variant. However, the output from this modeling did not meet the statistical confidence thresholds required to predict the impact of this variant on SMAD6 protein function. In summary, the available evidence is currently insufficient to determine the role of this variant in disease. Therefore, it has been classified as a Variant of Uncertain Significance.

Genetics and Molecular Pathology, SA Pathology
Classification: Uncertain significance for Aortic valve disease 2. Last evaluated: 2021-02-03. Review status: criteria provided, single submitter. Criteria: ACMG Guidelines, 2015. Collection method: clinical testing. Allele origin: germline. Affected: yes.

Ambry Genetics
Classification: Uncertain significance for Inborn genetic diseases. Last evaluated: 2020-08-17. Review status: criteria provided, single submitter. Criteria: Ambry Variant Classification Scheme 2023. Collection method: clinical testing. Allele origin: germline.
Comment: The alteration results in an amino acid change:_x000D_ _x000D_ The c.691C>T (p.R231C) alteration is located in coding exon 1 of the SMAD6 gene. This alteration results from a C to T substitution at nucleotide position 691, causing the arginine (R) at amino acid position 231 to be replaced by a cysteine (C). The alteration is not observed in population databases:_x000D_ _x000D_ Based on data from the Genome Aggregation Database (gnomAD), the SMAD6 c.691C>T alteration was not observed, with coverage at this position. An alteration at the same codon has been observed in affected individuals:_x000D_ _x000D_ Missense alterations involving different amino acid substitutions in this codon have been reported in families with aortic valve disease. The alteration c.691C>G (p.R231G) has been reported in an affected father and son, who also had a second missense alteration in trans. The altered amino acid is conserved throughout evolution:_x000D_ _x000D_ The p.R231 amino acid is conserved in available vertebrate species. The alteration is predicted inconclusive by in silico modeling:_x000D_ _x000D_ The in silico prediction for the p.R231C alteration is inconclusive. Based on insufficient or conflicting evidence, the clinical significance of this alteration remains unclear.

The Laboratory of Genetics and Metabolism, Hunan Children’s Hospital
Classification: Pathogenic for Radioulnar synostosis. Last evaluated: 2020-06-20. Review status: no assertion criteria provided. Collection method: research. Allele origin: maternal. Affected: yes. Not counted in ClinVar's aggregate classification.

Literature cited by the submitters: PubMed 34953066 (cited by Labcorp Genetics (formerly Invitae), Labcorp); PubMed 30796334 (cited by Ambry Genetics); PubMed 30848080 (cited by Ambry Genetics).